The following is an entry in ClinVar:

ClinVar aggregate classification (germline): Benign/Likely benign. Review status: criteria provided, multiple submitters, no conflicts (2 of 4 stars). 4 submissions from 4 submitters: Benign (1); Likely benign (3). Last evaluated 2025-07-08.

Conditions:
Birt-Hogg-Dube syndrome. Also called: Birt Hogg Dubé syndrome. Identifiers: Orphanet 122, MedGen C0346010, MONDO:0800444.
Hereditary cancer-predisposing syndrome. Also called: Neoplastic Syndromes, Hereditary; Hereditary Cancer Syndrome; Tumor predisposition; Hereditary neoplastic syndrome. Identifiers: Orphanet 140162, MedGen C0027672, MeSH D009386, MONDO:0015356.
Birt-Hogg-Dube syndrome 1 (BHD1). Also called: FIBROFOLLICULOMAS WITH TRICHODISCOMAS AND ACROCHORDONS. Identifiers: Orphanet 122, MedGen CN375946, MONDO:0800445, OMIM 135150.

gnomAD v4.1: 1 of 1,614,132 alleles (0.000062%); highest among the groups gnomAD compares: Non-Finnish European, 0.000085%; no homozygotes.

Submissions (4):

Quest Diagnostics Nichols Institute San Juan Capistrano
Classification: Likely benign. Last evaluated: 2025-07-08. Review status: criteria provided, single submitter. Criteria: Quest Diagnostics criteria. Collection method: clinical testing. Allele origin: unknown.

Myriad Genetics, Inc.
Classification: Benign for Birt-Hogg-Dube syndrome 1. Last evaluated: 2024-10-22. Review status: criteria provided, single submitter. Criteria: Myriad Autosomal Dominant, Autosomal Recessive and X-Linked Classification Criteria (2023). Collection method: clinical testing. Allele origin: unknown.
Comment: This variant is considered benign. This variant is a silent/synonymous amino acid change and it is not expected to impact splicing.

Labcorp Genetics (formerly Invitae), Labcorp
Classification: Likely benign for Birt-Hogg-Dube syndrome. Last evaluated: 2024-08-27. Review status: criteria provided, single submitter. Criteria: Invitae Variant Classification Sherloc (09022015). Collection method: clinical testing. Allele origin: germline.

Ambry Genetics
Classification: Likely benign for Hereditary cancer-predisposing syndrome. Last evaluated: 2023-06-05. Review status: criteria provided, single submitter. Criteria: Ambry Variant Classification Scheme 2023. Collection method: clinical testing. Allele origin: germline.

NM_144997.7(FLCN):c.222G>C (p.Pro74=)

Gene: FLCN (folliculin; minus strand). Cytogenetic location: 17p11.2.
Variant type: single nucleotide variant.
Coding change: c.222G>C on transcript NM_144997.7 (MANE Select); coding-DNA position 222, G replaced by C.
Protein change: p.Pro74=; no amino-acid change (proline 74 retained).
Molecular consequence: synonymous variant.
Genome position (GRCh38, 1-based): chr17:17,227,916, C>G on the plus strand (G>C on the coding strand, the complement: FLCN is on the minus strand). VCF-style: chr17-17227916-C-G. GRCh37 (hg19) VCF-style: chr17-17131230-C-G.
Other names: c.222G>C, p.Pro74= (NM_001353229.2, NM_001353230.2, NM_001353231.2 and 1 more transcripts); c.222G>C (NM_144997.6).
Identifiers: ClinVar variation 2566340 (VCV002566340.6), dbSNP rs770311645, ClinGen allele CA498421508.